The following is an entry in ClinVar:

NM_000617.3(SLC11A2):c.*1486G>T

Gene: SLC11A2 (solute carrier family 11 member 2; minus strand). Cytogenetic location: 12q13.12.
Variant type: single nucleotide variant.
Coding change: c.*1486G>T on transcript NM_000617.3 (MANE Select); 1486 bases downstream of the stop codon, G replaced by T.
Molecular consequence: 3 prime UTR variant. On other transcripts: non-coding transcript variant (4), intron variant (8).
Genome position (GRCh38, 1-based): chr12:50,986,839, C>A on the plus strand (G>T on the coding strand, the complement: SLC11A2 is on the minus strand). VCF-style: chr12-50986839-C-A. GRCh37 (hg19) VCF-style: chr12-51380622-C-A.
Other names: c.*1486G>T (NM_001174125.2, NM_001174128.2, NM_001174129.2 and 6 more transcripts); c.1716+1543G>T (NM_001379446.1); c.1518+1543G>T (NM_001414747.1); c.1629+1543G>T (NM_001174127.2, NM_001174126.2, NM_001379447.2); c.*25+1461G>T (NM_001414744.1, NM_001414746.1); c.1617+1543G>T (NM_001379448.1).
Identifiers: ClinVar variation 309285 (VCV000309285.5), dbSNP rs116731209, ClinGen allele CA6566350.

ClinVar aggregate classification (germline): Benign (1 of 4 stars; one submission).

Conditions:
Microcytic anemia with liver iron overload. Also called: Anemia, hypochromic microcytic, with iron overload 1. Identifiers: Orphanet 83642, MedGen C3806153, MONDO:0008787, OMIM 206100.

Allele frequency attached by ClinVar (database versions not stated): gnomAD exomes 0.00047 and 0.00089; ExAC 0.00074; 1000 Genomes Project 30x 0.00453; 1000 Genomes Project 0.00459; gnomAD 0.00503 and 0.00538; TOPMed 0.00566.
gnomAD v4.1: 1,312 of 1,287,172 alleles (0.1%); highest among the groups gnomAD compares: African/African-American, 1.8%; 12 homozygotes.

Submission:

Illumina Laboratory Services, Illumina
Classification: Benign for Microcytic anemia with liver iron overload. Last evaluated: 2018-01-12. Review status: criteria provided, single submitter. Criteria: ICSL Variant Classification Criteria 13 December 2019. Collection method: clinical testing. Allele origin: germline.
Comment: This variant was observed in the ICSL laboratory as part of a predisposition screen in an ostensibly healthy population. It had not been previously curated by ICSL or reported in the Human Gene Mutation Database (HGMD: prior to June 1st, 2018), and was therefore a candidate for classification through an automated scoring system. Utilizing variant allele frequency, disease prevalence and penetrance estimates, and inheritance mode, an automated score was calculated to assess if this variant is too frequent to cause the disease. Based on the score and internal cut-off values, a variant classified as benign is not then subjected to further curation. The score for this variant resulted in a classification of benign for this disease.